The following is an entry in ClinVar:

NM_000432.4(MYL2):c.402+1G>A

Gene: MYL2 (myosin light chain 2; minus strand). Cytogenetic location: 12q24.11.
Variant type: single nucleotide variant.
Coding change: c.402+1G>A on transcript NM_000432.4 (MANE Select); the canonical splice donor site of the intron after coding-DNA position 402, G replaced by A.
Molecular consequence: splice donor variant.
Genome position (GRCh38, 1-based): chr12:110,913,095, C>T on the plus strand (G>A on the coding strand, the complement: MYL2 is on the minus strand). VCF-style: chr12-110913095-C-T. GRCh37 (hg19) VCF-style: chr12-111350899-C-T.
Other names: c.345+1G>A (NM_001406916.1); c.360+1G>A (NM_001406745.1).
Identifiers: ClinVar variation 3070934 (VCV003070934.1), dbSNP rs1555257746, ClinGen allele CA386697686.

ClinVar aggregate classification (germline): Uncertain significance (1 of 4 stars; one submission).

Conditions:
Hypertrophic cardiomyopathy. Also called: HYPERTROPHIC MYOCARDIOPATHY. Identifiers: Orphanet 217569, MedGen C0007194, MeSH D002312, MONDO:0005045, HP:0001639.

gnomAD v4.1: 1 of 1,614,178 alleles (0.000062%); highest among the groups gnomAD compares: Middle Eastern, 0.016%; no homozygotes.

Submission:

All of Us Research Program, National Institutes of Health
Classification: Uncertain significance for Hypertrophic cardiomyopathy. Last evaluated: 2023-05-08. Review status: criteria provided, single submitter. Criteria: ACMG Guidelines, 2015. Collection method: clinical testing. Allele origin: germline. Inheritance: Autosomal dominant inheritance. Observed: 1 variant allele, 1 heterozygote.
Comment: This study involves interpretation of variants in research participants for the purpose of population health screening. Participant phenotype was not available at the time of variant classification. Additional details can be found in publication PMID: 35346344, PMCID: PMC8962531